The following is an entry in ClinVar:

NM_001040108.2(MLH3):c.3716-19T>C

Gene: MLH3 (mutL homolog 3; minus strand). Cytogenetic location: 14q24.3.
Variant type: single nucleotide variant.
Coding change: c.3716-19T>C on transcript NM_001040108.2 (MANE Select); 19 bases into the intron before coding-DNA position 3716, T replaced by C.
Molecular consequence: intron variant.
Genome position (GRCh38, 1-based): chr14:75,032,198, A>G on the plus strand (T>C on the coding strand, the complement: MLH3 is on the minus strand). VCF-style: chr14-75032198-A-G. GRCh37 (hg19) VCF-style: chr14-75498901-A-G.
Other names: c.3644-19T>C (NM_014381.3).
Identifiers: ClinVar variation 4875891 (VCV004875891.1).
Genomic context (GRCh38, chr14:75,032,198, plus strand): 5'-TTTTCCGACCAGAGCCTTGTGCCTGTTGCTTCTCGTAGGAATCTATTGGCAGAAAGATGA[A>G]TGGGTTAAGAGTAGGAAGGGAAGTCTTCTAGATTCAGATAAAAATAAAGCACGGCCTTGA-3'

ClinVar aggregate classification (germline): Likely benign (1 of 4 stars; one submission).

Conditions:
Colorectal cancer, hereditary nonpolyposis, type 7. Identifiers: Orphanet 144, MedGen C1858380, MONDO:0013725, OMIM 614385.

gnomAD v4.1: 1 of 1,450,082 alleles (0.000069%); highest among the groups gnomAD compares: Non-Finnish European, 0.000097%; no homozygotes.

Submission:

Myriad Genetics, Inc.
Classification: Likely benign for Colorectal cancer, hereditary nonpolyposis, type 7. Last evaluated: 2026-04-28. Review status: criteria provided, single submitter. Criteria: Myriad Autosomal Dominant, Autosomal Recessive and X-Linked Classification Criteria (2023). Collection method: clinical testing. Allele origin: unknown.
Comment: This variant is considered likely benign. This variant is intronic and is not expected to impact mRNA splicing.